The following is an entry in ClinVar:

NM_002291.3(LAMB1):c.1585T>C (p.Cys529Arg)

Gene: LAMB1 (laminin subunit beta 1; minus strand). Cytogenetic location: 7q31.1.
Variant type: single nucleotide variant.
Coding change: c.1585T>C on transcript NM_002291.3 (MANE Select); coding-DNA position 1585, T replaced by C.
Protein change: p.Cys529Arg; replaces cysteine 529 with arginine.
Molecular consequence: missense variant.
Genome position (GRCh38, 1-based): chr7:107,964,665, A>G on the plus strand (T>C on the coding strand, the complement: LAMB1 is on the minus strand). VCF-style: chr7-107964665-A-G. GRCh37 (hg19) VCF-style: chr7-107605110-A-G.
Other names: short protein forms C529R.
Identifiers: ClinVar variation 4806051 (VCV004806051.1).
Genomic context (GRCh38, chr7:107,964,665, plus strand): 5'-AGTAGTAACCAGGTTCCACTTCGTTGCACTGACGTCCAATCATGTGAGGCCGGCATGAGC[A>G]CTGGCCTGACTCCGCAAAGCAACTGGAAGGGAGGAGGAGCCACATCAGCTGAGTTCATGG-3'
Protein context (NP_002282.2, residues 519-539): NNSCFAESGQ[Cys529Arg]SCRPHMIGRQ

ClinVar aggregate classification (germline): Uncertain significance (1 of 4 stars; one submission).

Submission:

Labcorp Genetics (formerly Invitae), Labcorp
Classification: Uncertain significance. Last evaluated: 2025-03-02. Review status: criteria provided, single submitter. Criteria: Invitae Variant Classification Sherloc (09022015). Collection method: clinical testing. Allele origin: germline.
Comment: This sequence change replaces cysteine, which is neutral and slightly polar, with arginine, which is basic and polar, at codon 529 of the LAMB1 protein (p.Cys529Arg). This variant is not present in population databases (gnomAD no frequency). This variant has not been reported in the literature in individuals affected with LAMB1-related conditions. An algorithm developed to predict the effect of missense changes on protein structure and function (PolyPhen-2) suggests that this variant is likely to be disruptive. In summary, the available evidence is currently insufficient to determine the role of this variant in disease. Therefore, it has been classified as a Variant of Uncertain Significance.